The following is an entry in ClinVar:

NC_000019.9:g.(?_14854212)_(14854362_?)del

Gene: ADGRE2 (adhesion G protein-coupled receptor E2; minus strand). Cytogenetic location: 19p13.12.
Variant type: Deletion.
Identifiers: ClinVar variation 2425871 (VCV002425871.4).

ClinVar aggregate classification (germline): Uncertain significance (1 of 4 stars; one submission).

Submission:

Labcorp Genetics (formerly Invitae), Labcorp
Classification: Uncertain significance. Last evaluated: 2023-07-03. Review status: criteria provided, single submitter. Criteria: Invitae Variant Classification Sherloc (09022015). Collection method: clinical testing. Allele origin: germline.
Comment: This variant has not been reported in the literature in individuals affected with ADGRE2-related conditions. In summary, the available evidence is currently insufficient to determine the role of this variant in disease. Therefore, it has been classified as a Variant of Uncertain Significance. Experimental studies and prediction algorithms are not available or were not evaluated, and the functional significance of this variant is currently unknown. This variant is a gross deletion of the genomic region encompassing exon(s) 20 of the ADGRE2 gene. This variant would be expected to be in-frame, preserving the integrity of the reading frame.